The following is an entry in ClinVar:

NM_021942.6(TRAPPC11):c.1074G>T (p.Gln358His)

Gene: TRAPPC11 (trafficking protein particle complex subunit 11; plus strand). Cytogenetic location: 4q35.1.
Variant type: single nucleotide variant.
Coding change: c.1074G>T on transcript NM_021942.6 (MANE Select); coding-DNA position 1074, G replaced by T.
Protein change: p.Gln358His; replaces glutamine 358 with histidine.
Molecular consequence: missense variant.
Genome position (GRCh38, 1-based): chr4:183,680,228, G>T. VCF-style: chr4-183680228-G-T. GRCh37 (hg19) VCF-style: chr4-184601381-G-T.
Other names: c.1074G>T, p.Gln358His (NM_199053.3); short protein forms Q358H.
Identifiers: ClinVar variation 959755 (VCV000959755.10), dbSNP rs1735607583, ClinGen allele CA358863500.

ClinVar aggregate classification (germline): Uncertain significance (1 of 4 stars; one submission).

Conditions:
Autosomal recessive limb-girdle muscular dystrophy type R18 (LGMDR18). Also called: MUSCULAR DYSTROPHY, LIMB-GIRDLE, AUTOSOMAL RECESSIVE 18; Autosomal recessive limb-girdle muscular dystrophy type 2S; Limb-girdle muscular dystrophy, type 2S. Identifiers: Orphanet 369840, MedGen C4517996, MONDO:0014144, OMIM 615356.

Submission:

Labcorp Genetics (formerly Invitae), Labcorp
Classification: Uncertain significance for Autosomal recessive limb-girdle muscular dystrophy type R18. Last evaluated: 2022-07-25. Review status: criteria provided, single submitter. Criteria: Invitae Variant Classification Sherloc (09022015). Collection method: clinical testing. Allele origin: germline.
Comment: In summary, the available evidence is currently insufficient to determine the role of this variant in disease. Therefore, it has been classified as a Variant of Uncertain Significance. Algorithms developed to predict the effect of missense changes on protein structure and function are either unavailable or do not agree on the potential impact of this missense change (SIFT: "Tolerated"; PolyPhen-2: "Possibly Damaging"; Align-GVGD: "Class C0"). ClinVar contains an entry for this variant (Variation ID: 959755). This variant has not been reported in the literature in individuals affected with TRAPPC11-related conditions. This variant is not present in population databases (gnomAD no frequency). This sequence change replaces glutamine, which is neutral and polar, with histidine, which is basic and polar, at codon 358 of the TRAPPC11 protein (p.Gln358His).